The following continues an entry in ClinVar:

NM_000059.4(BRCA2):c.7544C>T (p.Thr2515Ile)

Gene: BRCA2. ClinVar aggregate classification (germline): Benign. Benign (1).

Submissions 19 to 39 of 39:

Illumina Laboratory Services, Illumina
Classification: Likely benign for Breast-ovarian cancer, familial, susceptibility to, 2. Last evaluated: 2019-10-08. Review status: criteria provided, single submitter. Criteria: ICSL Variant Classification Criteria 13 December 2019. Collection method: clinical testing. Allele origin: germline. Not counted in ClinVar's aggregate classification.
Comment: This variant was observed as part of a predisposition screen in an ostensibly healthy population. A literature search was performed for the gene, cDNA change, and amino acid change (where applicable). Publications were found based on this search. The evidence from the literature, in combination with allele frequency data from public databases where available, was sufficient to determine this variant is unlikely to cause disease. Therefore, this variant is classified as likely benign.

Mendelics
Classification: Likely benign for Breast-ovarian cancer, familial, susceptibility to, 2. Last evaluated: 2019-05-28. Review status: criteria provided, single submitter. Criteria: Mendelics Assertion Criteria 2017. Collection method: clinical testing. Allele origin: unknown. Not counted in ClinVar's aggregate classification.

Institute for Biomarker Research, Medical Diagnostic Laboratories, L.L.C.
Classification: Likely benign for Hereditary cancer-predisposing syndrome. Last evaluated: 2018-05-23. Review status: criteria provided, single submitter. Criteria: ACMG Guidelines, 2015. Collection method: clinical testing. Allele origin: germline. Not counted in ClinVar's aggregate classification.

PreventionGenetics, part of Exact Sciences
Classification: Likely benign. Last evaluated: 2017-07-27. Review status: criteria provided, single submitter. Criteria: ACMG Guidelines, 2015. Collection method: clinical testing. Allele origin: germline. Not counted in ClinVar's aggregate classification.

Cancer Genetics and Genomics Laboratory, British Columbia Cancer Agency
Classification: Benign. Last evaluated: 2017-04-18. Review status: criteria provided, single submitter. Criteria: ACMG Guidelines, 2015. Collection method: clinical testing. Allele origin: germline. Study: The Canadian Open Genetics Repository (COGR). Not counted in ClinVar's aggregate classification.

Laboratory for Molecular Medicine, Mass General Brigham Personalized Medicine
Classification: Uncertain significance. Last evaluated: 2016-06-16. Review status: criteria provided, single submitter. Criteria: LMM Criteria. Collection method: clinical testing. Allele origin: germline. Observed: 1 variant allele. Not counted in ClinVar's aggregate classification.
Comment: Disclaimer: This variant has not undergone full assessment. The following are pr eliminary notes: ClinVar: 7 labs classify as B/LB

Clinical Genetics DNA and cytogenetics Diagnostics Lab, Erasmus MC, Erasmus Medical Center
Classification: Benign for Breast-ovarian cancer, familial, susceptibility to, 2. Last evaluated: 2015-09-21. Review status: criteria provided, single submitter. Criteria: ACGS Guidelines, 2013. Collection method: clinical testing. Allele origin: germline. Affected: yes. Study: VKGL Data-share Consensus. Not counted in ClinVar's aggregate classification.

Color Diagnostics, LLC DBA Color Health
Classification: Likely benign for Hereditary cancer-predisposing syndrome. Last evaluated: 2014-12-16. Review status: criteria provided, single submitter. Criteria: ACMG Guidelines, 2015. Collection method: clinical testing. Allele origin: germline. Not counted in ClinVar's aggregate classification.

Ambry Genetics
Classification: Benign for Hereditary cancer-predisposing syndrome. Last evaluated: 2014-11-19. Review status: criteria provided, single submitter. Criteria: Ambry Variant Classification Scheme 2023. Collection method: clinical testing. Allele origin: germline. Not counted in ClinVar's aggregate classification.

Breakthrough Genomics
Classification: Benign. Review status: criteria provided, single submitter. Criteria: ACMG Guidelines, 2015. Collection method: not provided. Allele origin: germline. Inheritance: Autosomal recessive inheritance. Affected: yes. Not counted in ClinVar's aggregate classification.

BRCAlab, Lund University
Classification: Benign for Breast-ovarian cancer, familial, susceptibility to, 2. Last evaluated: 2020-03-02. Review status: no assertion criteria provided. Collection method: clinical testing. Allele origin: germline. Affected: yes. Not counted in ClinVar's aggregate classification.

Counsyl
Classification: Likely benign for Breast-ovarian cancer, familial 2. Last evaluated: 2014-04-08. Review status: no assertion criteria provided. Collection method: literature only. Allele origin: unknown. Inheritance: Autosomal dominant inheritance. Not counted in ClinVar's aggregate classification.

ITMI
No classification provided. Condition: AllHighlyPenetrant. Last evaluated: 2013-09-19. Review status: no classification provided. Collection method: reference population. Allele origin: germline. Not counted in ClinVar's aggregate classification.
Comment: Please see associated publication for description of ethnicities

Biesecker Lab/Clinical Genomics Section, National Institutes of Health
Classification: Likely benign. Last evaluated: 2012-07-13. Review status: no assertion criteria provided. Collection method: research. Allele origin: germline. Affected: no. Observed: 1 variant allele. Study: ClinSeq. Not counted in ClinVar's aggregate classification.
ClinVar note: Converted during submission from probably not pathogenic to Likely benign.

Sharing Clinical Reports Project (SCRP)
Classification: Benign for Breast-ovarian cancer, familial 2. Last evaluated: 2012-05-01. Review status: no assertion criteria provided. Collection method: clinical testing. Allele origin: germline. Not counted in ClinVar's aggregate classification.

Breast Cancer Information Core (BIC) (BRCA2)
Classification: Benign for Breast-ovarian cancer, familial 2. Last evaluated: 2002-05-29. Review status: no assertion criteria provided. Collection method: clinical testing. Allele origin: germline. Affected: yes. Observed: 72 variant alleles. Not counted in ClinVar's aggregate classification.

Clinical Genetics Laboratory, Department of Pathology, Netherlands Cancer Institute
Classification: Benign. Review status: no assertion criteria provided. Collection method: clinical testing. Allele origin: germline. Affected: yes. Study: VKGL Data-share Consensus. Not counted in ClinVar's aggregate classification.

Department of Pathology and Laboratory Medicine, Sinai Health System
Classification: Benign. Review status: no assertion criteria provided. Collection method: clinical testing. Allele origin: unknown. Affected: yes. Observed: 5 variant alleles. Study: The Canadian Open Genetics Repository (COGR). Not counted in ClinVar's aggregate classification.
Comment: The BRCA2 p.Thr2515Ile variant was identified in 4 of 3460 proband chromosomes (frequency: 0.001) from individuals or families with breast or ovarian cancer (Campos 2001, Diez 2003, Plaschke 2000, Meindl 2002), and was present in 3 of 830 control chromosomes (frequency: 0.004) from healthy individuals (Cvok 2008, Meindl 2002). The variant was also identified in several database searches, including: GeneInsight â€šÃ„Ã¬ COGR (submitted by a clinical laboratory as â€šÃ„Ãºunclassifiedâ€šÃ„Ã¹), UMD/BRCA Share (37X with a â€šÃ„Ãºlikely neutralâ€šÃ„Ã¹ classification), ARUP Laboratories BRCA Mutation Database (classified as â€šÃ„Ãºnot pathogenic or of no clinical significanceâ€šÃ„Ã¹), BIC (72X as a variant with no clinical significance), LOVD â€šÃ„Ã¬ IARC (classified as â€šÃ„Ãºnot pathogenic or of no clinical significanceâ€šÃ„Ã¹), and ClinVar (classified as â€šÃ„Ãºbenignâ€šÃ„Ã¹ by four submitters and â€šÃ„Ãºlikely benignâ€šÃ„Ã¹ by three submitters). In the UMD/BRCA Share database, three samples were listed with co-occurring pathogenic BRCA1 or BRCA2 variants, increasing the likelihood that the p.Thr2515Ile variant is not clinically significant. In addition, the variant was identified at polymorphic frequencies in three HAPMAP populations (HAPMAP-MEX (Mexican), HAPMAP-JPT (Japanese), HAPMAP-HCB (Han Chinese)) listed in dbSNP (ID: rs28897744), and Myriad classifies this variant as a polymorphism (personal communication). The p.Thr2515 residue is not conserved across mammals and other organisms and computational analyses (PolyPhen-2, SIFT, AlignGVGD, BLOSUM, MutationTaster) provide inconsistent predictions regarding the impact to the protein; this information is not very predictive of pathogenicity. One study utilizing in vitro assays suggests that the variant may impact certain BRCA2 functions and cellular localization; however, segregation analysis of nine pedigrees in this same study found low odds in favour of disease causality (Wu 2005). Two multifactorial analysis studies and one bioinformatics study predict the variant to be neutral or have no clinical significance (Karchin 2008, Lindor 2012, Spurdle 2008). The variant occurs outside of the splicing consensus sequence and in silico or computational prediction software programs (SpliceSiteFinder, MaxEntScan, NNSPLICE, GeneSplicer, HumanSpliceFinder) do not predict a difference in splicing. In addition, RNA analysis done in a study by Campos (2003) found that the variant did not alter splicing. In summary, based on the above information, this variant meets our laboratory's criteria to be classified as benign.

Diagnostic Laboratory, Department of Genetics, University Medical Center Groningen
Classification: Benign for Breast-ovarian cancer, familial, susceptibility to, 2. Review status: no assertion criteria provided. Collection method: clinical testing. Allele origin: germline. Affected: yes. Study: VKGL Data-share Consensus. Not counted in ClinVar's aggregate classification.

Joint Genome Diagnostic Labs from Nijmegen and Maastricht, Radboudumc and MUMC+
Classification: Benign. Review status: no assertion criteria provided. Collection method: clinical testing. Allele origin: germline. Affected: yes. Study: VKGL Data-share Consensus. Not counted in ClinVar's aggregate classification.

Laboratory of Diagnostic Genome Analysis, Leiden University Medical Center (LUMC)
Classification: Likely benign. Review status: no assertion criteria provided. Collection method: clinical testing. Allele origin: germline. Affected: yes. Study: VKGL Data-share Consensus. Not counted in ClinVar's aggregate classification.

Literature cited by the submitters: PubMed 21990134 (cited by Evidence-based Network for the Interpretation of Germline Mutant Alleles (ENIGMA) and Counsyl); PubMed 31131559 (cited by Mayo Clinic Laboratories, Mayo Clinic); PubMed 32444794 (cited by Mayo Clinic Laboratories, Mayo Clinic); PubMed 32467295 (cited by Mayo Clinic Laboratories, Mayo Clinic); PubMed 32599251 (cited by Mayo Clinic Laboratories, Mayo Clinic); PubMed 33964450 (cited by Mayo Clinic Laboratories, Mayo Clinic); PubMed 35736817 (cited by Mayo Clinic Laboratories, Mayo Clinic); PubMed 36329109 (cited by Mayo Clinic Laboratories, Mayo Clinic and Genetics Program, Instituto Nacional de Cancer); PubMed 9971877 (cited by Illumina Laboratory Services, Illumina and Counsyl); PubMed 10978364 (cited by Illumina Laboratory Services, Illumina and Counsyl); PubMed 12955719 (cited by Illumina Laboratory Services, Illumina and Counsyl); PubMed 18284688 (cited by Illumina Laboratory Services, Illumina); PubMed 15695382 (cited by Illumina Laboratory Services, Illumina and Counsyl); PubMed 19043619 (cited by Illumina Laboratory Services, Illumina and Counsyl); PubMed 18724707 (cited by Counsyl); PubMed 8415037 (cited by Counsyl); PubMed 18375895 (cited by Counsyl); PubMed 18844490 (cited by Counsyl); PubMed 24082139 (cited by Counsyl); PubMed 21702907 (cited by Counsyl); PubMed 12955716 (cited by Counsyl); PubMed 24728327 (cited by ITMI).